The following is an entry in ClinVar:

ClinVar aggregate classification (germline): Uncertain significance. Review status: criteria provided, multiple submitters, no conflicts (2 of 4 stars). 2 submissions from 2 submitters: Uncertain significance (2). Last evaluated 2018-10-12.

Conditions:
ALG11-congenital disorder of glycosylation. Also called: CONGENITAL DISORDER OF GLYCOSYLATION, TYPE Ip; ALG11-CDG. Identifiers: Orphanet 280071, MedGen C3150913, MONDO:0013349, OMIM 613661.

Allele frequency attached by ClinVar (database versions not stated): ExAC 0.00004; gnomAD 0.00004; TOPMed 0.00004; gnomAD exomes 0.00005 and 0.00009; ESP Exome Variant Server 0.00015.
gnomAD v4.1: 136 of 1,614,058 alleles (0.0084%); highest among the groups gnomAD compares: Non-Finnish European, 0.011%; no homozygotes.

Submissions (4):

GeneDx
Classification: Uncertain significance. Last evaluated: 2018-10-12. Review status: criteria provided, single submitter. Criteria: GeneDx Variant Classification (06012015). Collection method: clinical testing. Allele origin: germline. Affected: yes.
Comment: The c.44G>C variant in the ALG11 gene has not been reported previously as a pathogenic variant, nor as a benign variant, to our knowledge. The c.44G>C variant is observed in 1/6,494 (0.02%) alleles from individuals of European (Finnish) background, and in 3/66,152 (.005%) alleles from individuals of European (non-Finnish) background in the ExAC dataset, and no individuals were reported to be homozygous (Lek et al., 2016). In-silico splice prediction models predict that c.44G>C may cause loss of the natural splice donor site in intron 1. However, in the absence of RNA/functional studies, the actual effect of the c.44G>C change in this individual is unknown. If c.44G>C does not alter splicing, it will result in the R15T missense change. The R15T variant is a semi-conservative amino acid substitution, which may impact secondary protein structure as these residues differ in some properties. This substitution occurs at a position that is conserved in mammals, and in silico analysis predicts this variant is probably damaging to the protein structure/function. We interpret c.44G>C as a variant of uncertain significance.

Illumina Laboratory Services, Illumina
Classification: Uncertain significance for ALG11-congenital disorder of glycosylation. Last evaluated: 2018-01-12. Review status: criteria provided, single submitter. Criteria: ICSL Variant Classification Criteria 13 December 2019. Collection method: clinical testing. Allele origin: germline.

Dr. Peter K. Rogan Lab, Western University
No classification provided (evidence only). Condition: Papillary renal cell carcinoma type 1. Review status: no classification provided. Collection method: in vitro. Allele origin: not applicable. Functional consequence: retained intron. Not counted in ClinVar's aggregate classification.

Dr. Peter K. Rogan Lab, Western University
No classification provided (evidence only). Condition: Colon adenocarcinoma. Review status: no classification provided. Collection method: in vitro. Allele origin: not applicable. Functional consequence: retained intron. Not counted in ClinVar's aggregate classification.

NM_001004127.3(ALG11):c.44G>C (p.Arg15Thr)

Genes: ALG11 (ALG11 alpha-1,2-mannosyltransferase; plus strand), LOC130009841 (ATAC-STARR-seq lymphoblastoid active region 7785; plus strand). Cytogenetic location: 13q14.3.
Variant type: single nucleotide variant.
Coding change: c.44G>C on transcript NM_001004127.3 (MANE Select); coding-DNA position 44, G replaced by C.
Protein change: p.Arg15Thr; replaces arginine 15 with threonine.
Molecular consequence: missense variant. On other transcripts: non-coding transcript variant (1).
Genome position (GRCh38, 1-based): chr13:52,012,462, G>C. VCF-style: chr13-52012462-G-C. GRCh37 (hg19) VCF-style: chr13-52586598-G-C.
Other names: NC_000013.10:g.52586598G>C; short protein forms R15T.
Identifiers: ClinVar variation 312409 (VCV000312409.7), dbSNP rs139798579, ClinGen allele CA6989784.